The following is an entry in ClinVar:

NM_000059.4(BRCA2):c.6626T>C (p.Ile2209Thr)

Gene: BRCA2 (BRCA2 DNA repair associated; plus strand). Cytogenetic location: 13q13.1.
Variant type: single nucleotide variant.
Coding change: c.6626T>C on transcript NM_000059.4 (MANE Select); coding-DNA position 6626, T replaced by C.
Protein change: p.Ile2209Thr; replaces isoleucine 2209 with threonine.
Molecular consequence: missense variant.
Genome position (GRCh38, 1-based): chr13:32,340,981, T>C. VCF-style: chr13-32340981-T-C. GRCh37 (hg19) VCF-style: chr13-32915118-T-C.
Other names: NP_000050.3:p.Ile2209Thr; 6854T>C; short protein forms I2209T.
Identifiers: ClinVar variation 96840 (VCV000096840.29), dbSNP rs431825344, ClinGen allele CA024222.

ClinVar aggregate classification (germline): Conflicting classifications of pathogenicity. Review status: criteria provided, conflicting classifications (1 of 4 stars). 10 submissions from 10 submitters: Uncertain significance (6); Likely benign (2). 2 of the submissions do not count toward it. Last evaluated 2026-01-12.

Conditions:
Wilms tumor 1 (WT1). Also called: Wilms tumor, somatic. Identifiers: Orphanet 654, MedGen CN033288, MONDO:0008679, OMIM 194070.
Prostate cancer. Also called: Malignant tumor of prostate. Identifiers: Orphanet 1331, MedGen C0376358, MONDO:0008315, HP:0012125.
Familial cancer of breast. Also called: BREAST CANCER, FAMILIAL; Hereditary breast cancer; hereditary breast carcinoma. Identifiers: Orphanet 227535, MedGen C0346153, MONDO:0016419, OMIM 114480. Disease mechanism: loss of function.
Fanconi anemia complementation group D1. Also called: BRCA2-Related Fanconi Anemia. Identifiers: Orphanet 319462, MedGen C1838457, MONDO:0011584, OMIM 605724.
Medulloblastoma (MDB). Also called: Medulloblastoma, somatic; MEDULLOBLASTOMA PREDISPOSITION SYNDROME. Identifiers: Orphanet 616, MedGen C0025149, MeSH D008527, MONDO:0007959, OMIM 155255, HP:0002885.
Breast-ovarian cancer, familial, susceptibility to, 2 (BROVCA2). Also called: BRCA2 Hereditary Breast and Ovarian Cancer. Identifiers: Orphanet 145, MedGen C2675520, MONDO:0012933, OMIM 612555. Disease mechanism: loss of function.
Pancreatic cancer, susceptibility to, 2. Identifiers: Orphanet 1333, MedGen C3150546, MONDO:0013235, OMIM 613347.
Glioma susceptibility 3 (GLM3). Also called: Glioblastoma 3. Identifiers: Orphanet 182067, Orphanet 360, MedGen C2751641, MONDO:0013093, OMIM 613029.
Hereditary cancer-predisposing syndrome. Also called: Hereditary Cancer Syndrome; Tumor predisposition; Hereditary neoplastic syndrome; Neoplastic Syndromes, Hereditary. Identifiers: Orphanet 140162, MedGen C0027672, MeSH D009386, MONDO:0015356.
Hereditary breast ovarian cancer syndrome. Also called: Hereditary breast and/or ovarian cancer syndrome; Hereditary breast and ovarian cancer syndrome; Hereditary breast and ovarian cancer syndrome (HBOC); Hereditary breast and ovarian cancer; Breast and ovarian cancer; BRCA1- and BRCA2-Associated Hereditary Breast and Ovarian Cancer. Identifiers: Orphanet 145, MedGen C0677776, MeSH D061325, MONDO:0003582. Disease mechanism: loss of function.

Allele frequency attached by ClinVar (database versions not stated): gnomAD 0.00001.
gnomAD v4.1: 5 of 1,608,728 alleles (0.00031%); highest among the groups gnomAD compares: Non-Finnish European, 0.00025%; no homozygotes.

Submissions (10):

Labcorp Genetics (formerly Invitae), Labcorp
Classification: Uncertain significance for Hereditary breast ovarian cancer syndrome. Last evaluated: 2026-01-12. Review status: criteria provided, single submitter. Criteria: Invitae Variant Classification Sherloc (09022015). Collection method: clinical testing. Allele origin: germline.
Comment: This sequence change replaces isoleucine, which is neutral and non-polar, with threonine, which is neutral and polar, at codon 2209 of the BRCA2 protein (p.Ile2209Thr). This variant is present in population databases (rs431825344, gnomAD 0.03%). This missense change has been observed in individual(s) with breast cancer (PMID: 31837001). ClinVar contains an entry for this variant (Variation ID: 96840). Invitae Evidence Modeling of protein sequence and biophysical properties (such as structural, functional, and spatial information, amino acid conservation, physicochemical variation, residue mobility, and thermodynamic stability) indicates that this missense variant is not expected to disrupt BRCA2 protein function with a negative predictive value of 95%. In summary, the available evidence is currently insufficient to determine the role of this variant in disease. Therefore, it has been classified as a Variant of Uncertain Significance.

Color Diagnostics, LLC DBA Color Health
Classification: Uncertain significance for Hereditary cancer-predisposing syndrome. Last evaluated: 2025-06-11. Review status: criteria provided, single submitter. Criteria: ACMG Guidelines, 2015. Collection method: clinical testing. Allele origin: germline.
Comment: This missense variant replaces isoleucine with threonine at codon 2209 of the BRCA2 protein. Computational prediction suggests that this variant may not impact protein structure and function. To our knowledge, functional studies have not been reported for this variant. This variant has been at least three individuals affected with breast cancer and two unaffected individuals in breast cancer case-control studies (PMID: 31837001, 36980780, 33471991Leiden Open Variation Database DB-ID BRCA2_007638). One of the affected individuals carried a pathogenic variant in the ATM gene (PMID: 36980780). This variant has been identified in 1/31392 chromosomes in the general population by the Genome Aggregation Database (gnomAD). The available evidence is insufficient to determine the role of this variant in disease conclusively. Therefore, this variant is classified as a Variant of Uncertain Significance.

Quest Diagnostics Nichols Institute San Juan Capistrano
Classification: Uncertain significance. Last evaluated: 2025-04-12. Review status: criteria provided, single submitter. Criteria: Quest Diagnostics criteria. Collection method: clinical testing. Allele origin: unknown.
Comment: The BRCA2 c.6626T>C (p.Ile2209Thr) variant has been reported in the published literature in an individual affected with breast cancer (PMID: 36605468 (2023)). In another individual with breast cancer the variant was identified with a deleterious variant in the ATM gene, suggesting this BRCA2 variant may not be the primary cause of disease (PMID: 36980780 (2023)). This variant has also been identified in an affected and in a reportedly unaffected individual in a large-scale breast cancer association study (PMID: 33471991 (2021), see also LOVD). The frequency of this variant in the general population (Genome Aggregation Database) is uninformative in the assessment of its pathogenicity. Analysis of this variant using bioinformatics tools for the prediction of the effect of amino acid changes on protein structure and function yielded predictions that this variant is benign. Based on the available information, we are unable to determine the clinical significance of this variant.

University of Washington Department of Laboratory Medicine, University of Washington
Classification: Likely benign for Hereditary cancer-predisposing syndrome. Last evaluated: 2023-03-23. Review status: criteria provided, single submitter. Criteria: Dines et al. (Genet Med. 2020). Collection method: curation. Allele origin: germline.
Comment: Missense variant in a coldspot region where missense variants are very unlikely to be pathogenic (PMID:31911673).

BRCA2 exon 11 coldspot. Reclassification based on statistical prior probability.

National Health Laboratory Service, Universitas Academic Hospital and University of the Free State
Classification: Uncertain significance for Hereditary breast ovarian cancer syndrome. Last evaluated: 2022-04-19. Review status: criteria provided, single submitter. Criteria: ACMG Guidelines, 2015. Collection method: clinical testing. Allele origin: germline. Affected: yes. Observed: 1 variant allele.

Women's Health and Genetics/Laboratory Corporation of America, LabCorp
Classification: Uncertain significance. Last evaluated: 2022-02-24. Review status: criteria provided, single submitter. Criteria: LabCorp Variant Classification Summary - May 2015. Collection method: clinical testing. Allele origin: germline.
Comment: Variant summary: BRCA2 c.6626T>C (p.Ile2209Thr) results in a non-conservative amino acid change in the encoded protein sequence. Four of five in-silico tools predict a benign effect of the variant on protein function. The variant allele was found at a frequency of 6.6e-06 in 150980 control chromosomes (gnomAD v3.1 genomes dataset). The available data on variant occurrences in the general population are insufficient to allow any conclusion about variant significance. c.6626T>C has been reported in the literature in individuals affected with breast cancer (Dorling_2021, Guo_2020), however it was also found in similar number of controls (Dorling_2021, Guo_2020, Kim_2021). These reports do not provide unequivocal conclusions about association of the variant with Hereditary Breast and Ovarian Cancer Syndrome. To our knowledge, no experimental evidence demonstrating an impact on protein function has been reported. Five submitters have provided clinical-significance assessments for this variant in ClinVar after 2014, and classified the variant as VUS (n=4) or likely benign (n=1). Based on the evidence outlined above, the variant was classified as uncertain significance.

Ambry Genetics
Classification: Likely benign for Hereditary cancer-predisposing syndrome. Last evaluated: 2019-04-17. Review status: criteria provided, single submitter. Criteria: Ambry Variant Classification Scheme 2023. Collection method: clinical testing. Allele origin: germline.

Fulgent Genetics
Classification: Uncertain significance for Familial cancer of breast; Medulloblastoma; Familial prostate cancer; Wilms tumor 1; Fanconi anemia complementation group D1; Breast-ovarian cancer, familial, susceptibility to, 2; Glioma susceptibility 3; Pancreatic cancer, susceptibility to, 2. Last evaluated: 2018-10-31. Review status: criteria provided, single submitter. Criteria: ACMG Guidelines, 2015. Collection method: clinical testing. Allele origin: unknown.

Counsyl
Classification: Uncertain significance for Breast-ovarian cancer, familial, susceptibility to, 2. Last evaluated: 2016-10-03. Review status: no assertion criteria provided. Collection method: clinical testing. Allele origin: unknown. Not counted in ClinVar's aggregate classification.

Sharing Clinical Reports Project (SCRP)
Classification: Uncertain significance for Breast-ovarian cancer, familial 2. Last evaluated: 2012-05-01. Review status: no assertion criteria provided. Collection method: clinical testing. Allele origin: germline. Not counted in ClinVar's aggregate classification.

Literature cited by the submitters: PubMed 31837001 (cited by 4 submitters); PubMed 33471991 (cited by Color Diagnostics, LLC DBA Color Health and Women's Health and Genetics/Laboratory Corporation of America, LabCorp); PubMed 36980780 (cited by Color Diagnostics, LLC DBA Color Health and Quest Diagnostics Nichols Institute San Juan Capistrano); PubMed 33020649 (cited by Quest Diagnostics Nichols Institute San Juan Capistrano); PubMed 31131967 (cited by Quest Diagnostics Nichols Institute San Juan Capistrano); PubMed 31853058 (cited by Quest Diagnostics Nichols Institute San Juan Capistrano); PubMed 35585550 (cited by Quest Diagnostics Nichols Institute San Juan Capistrano); PubMed 36605468 (cited by Quest Diagnostics Nichols Institute San Juan Capistrano); PubMed 33875706 (cited by Women's Health and Genetics/Laboratory Corporation of America, LabCorp).